The following is an entry in ClinVar:

NM_007255.3(B4GALT7):c.-28G>T

Genes: B4GALT7 (beta-1,4-galactosyltransferase 7; plus strand), LOC129995400 (ATAC-STARR-seq lymphoblastoid silent region 16704; plus strand). Cytogenetic location: 5q35.3.
Variant type: single nucleotide variant.
Coding change: c.-28G>T on transcript NM_007255.3 (MANE Select); 28 bases upstream of the start codon, G replaced by T.
Molecular consequence: 5 prime UTR variant.
Genome position (GRCh38, 1-based): chr5:177,600,183, G>T. VCF-style: chr5-177600183-G-T. GRCh37 (hg19) VCF-style: chr5-177027184-G-T.
Identifiers: ClinVar variation 506362 (VCV000506362.1), dbSNP rs562627459, ClinGen allele CA3586336.

ClinVar aggregate classification (germline): Likely benign (1 of 4 stars; one submission).

Allele frequency attached by ClinVar (database versions not stated): TOPMed 0.00152; 1000 Genomes Project 0.00240; 1000 Genomes Project 30x 0.00344.
gnomAD v4.1: 3,207 of 1,331,954 alleles (0.24%); highest among the groups gnomAD compares: South Asian, 1.7%; 27 homozygotes.

Submission:

GeneDx
Classification: Likely benign. Last evaluated: 2017-11-15. Review status: criteria provided, single submitter. Criteria: GeneDx Variant Classification (06012015). Collection method: clinical testing. Allele origin: germline. Affected: yes.
Comment: This variant is considered likely benign or benign based on one or more of the following criteria: it is a conservative change, it occurs at a poorly conserved position in the protein, it is predicted to be benign by multiple in silico algorithms, and/or has population frequency not consistent with disease.